The following is an entry in ClinVar:

NM_001999.4(FBN2):c.5105T>C (p.Val1702Ala)

Gene: FBN2 (fibrillin 2; minus strand). Cytogenetic location: 5q23.3.
Variant type: single nucleotide variant.
Coding change: c.5105T>C on transcript NM_001999.4 (MANE Select); coding-DNA position 5105, T replaced by C.
Protein change: p.Val1702Ala; replaces valine 1702 with alanine.
Molecular consequence: missense variant.
Genome position (GRCh38, 1-based): chr5:128,310,078, A>G on the plus strand (T>C on the coding strand, the complement: FBN2 is on the minus strand). VCF-style: chr5-128310078-A-G. GRCh37 (hg19) VCF-style: chr5-127645770-A-G.
Other names: short protein forms V1702A.
Identifiers: ClinVar variation 3711340 (VCV003711340.2).

ClinVar aggregate classification (germline): Uncertain significance (1 of 4 stars; one submission).

Conditions:
Congenital contractural arachnodactyly (CCA). Also called: Beals-Hecht syndrome; BEALS SYNDROME; Arthrogryposis, distal, type 9. Identifiers: Orphanet 115, MedGen C0220668, MONDO:0007363, OMIM 121050.

gnomAD v4.1: 1 of 1,613,544 alleles (0.000062%); highest among the groups gnomAD compares: Non-Finnish European, 0.000085%; no homozygotes.

Submission:

Labcorp Genetics (formerly Invitae), Labcorp
Classification: Uncertain significance for Congenital contractural arachnodactyly. Last evaluated: 2024-03-18. Review status: criteria provided, single submitter. Criteria: Invitae Variant Classification Sherloc (09022015). Collection method: clinical testing. Allele origin: germline.
Comment: This sequence change replaces valine, which is neutral and non-polar, with alanine, which is neutral and non-polar, at codon 1702 of the FBN2 protein (p.Val1702Ala). This variant is not present in population databases (gnomAD no frequency). This variant has not been reported in the literature in individuals affected with FBN2-related conditions. Advanced modeling of protein sequence and biophysical properties (such as structural, functional, and spatial information, amino acid conservation, physicochemical variation, residue mobility, and thermodynamic stability) performed at Invitae indicates that this missense variant is not expected to disrupt FBN2 protein function with a negative predictive value of 80%. In summary, the available evidence is currently insufficient to determine the role of this variant in disease. Therefore, it has been classified as a Variant of Uncertain Significance.